The following is an entry in ClinVar:

NM_000455.5(STK11):c.11T>C (p.Val4Ala)

Gene: STK11 (serine/threonine kinase 11; plus strand). Cytogenetic location: 19p13.3.
Variant type: single nucleotide variant.
Coding change: c.11T>C on transcript NM_000455.5 (MANE Select); coding-DNA position 11, T replaced by C.
Protein change: p.Val4Ala; replaces valine 4 with alanine.
Molecular consequence: missense variant.
Genome position (GRCh38, 1-based): chr19:1,206,924, T>C. VCF-style: chr19-1206924-T-C. GRCh37 (hg19) VCF-style: chr19-1206923-T-C.
Other names: short protein forms V4A.
Identifiers: ClinVar variation 1042673 (VCV001042673.10), dbSNP rs1599914720, ClinGen allele CA402942988.
Genomic context (GRCh38, chr19:1,206,924, plus strand): 5'-CACCCGCGGACTCAGGGCTGGCGGCGGGACTCCAGGACCCTGGGTCCAGCATGGAGGTGG[T>C]GGACCCGCAGCAGCTGGGCATGTTCACGGAGGGCGAGCTGATGTCGGTGGGTATGGACAC-3'
Protein context (NP_000446.1, residues 1-14): MEV[Val4Ala]DPQQLGMFTE

ClinVar aggregate classification (germline): Conflicting classifications of pathogenicity. Review status: criteria provided, conflicting classifications (1 of 4 stars). 2 submissions from 2 submitters: Uncertain significance (1); Likely benign (1). Last evaluated 2021-11-02.

Conditions:
Peutz-Jeghers syndrome (PJS). Also called: POLYPOSIS, HAMARTOMATOUS INTESTINAL; POLYPS-AND-SPOTS SYNDROME; Peutz-Jeghers polyposis; Periorificial lentiginosis syndrome. Identifiers: Orphanet 2869, MedGen C0031269, MeSH D010580, MONDO:0008280, OMIM 175200.
Hereditary cancer-predisposing syndrome. Also called: Hereditary neoplastic syndrome; Neoplastic Syndromes, Hereditary; Tumor predisposition; Hereditary Cancer Syndrome. Identifiers: Orphanet 140162, MedGen C0027672, MeSH D009386, MONDO:0015356.

Allele frequency attached by ClinVar (database versions not stated): gnomAD exomes below 0.00001.
gnomAD v4.1: 1 of 1,583,014 alleles (0.000063%); highest among the groups gnomAD compares: Non-Finnish European, 0.000086%; no homozygotes.

Submissions (2):

Ambry Genetics
Classification: Likely benign for Hereditary cancer-predisposing syndrome. Last evaluated: 2021-11-02. Review status: criteria provided, single submitter. Criteria: Ambry Variant Classification Scheme 2023. Collection method: clinical testing. Allele origin: germline.

Labcorp Genetics (formerly Invitae), Labcorp
Classification: Uncertain significance for Peutz-Jeghers syndrome. Last evaluated: 2020-10-25. Review status: criteria provided, single submitter. Criteria: Invitae Variant Classification Sherloc (09022015). Collection method: clinical testing. Allele origin: germline.
Comment: In summary, the available evidence is currently insufficient to determine the role of this variant in disease. Therefore, it has been classified as a Variant of Uncertain Significance. Advanced modeling of protein sequence and biophysical properties (such as structural, functional, and spatial information, amino acid conservation, physicochemical variation, residue mobility, and thermodynamic stability) performed at Invitae indicates that this missense variant is not expected to disrupt STK11 protein function. This variant has not been reported in the literature in individuals with STK11-related conditions. This variant is not present in population databases (ExAC no frequency). This sequence change replaces valine with alanine at codon 4 of the STK11 protein (p.Val4Ala). The valine residue is weakly conserved and there is a small physicochemical difference between valine and alanine.